The following is an entry in ClinVar:

NM_198075.4(LRRC56):c.1371G>A (p.Arg457=)

Gene: LRRC56 (leucine rich repeat containing 56; plus strand). Cytogenetic location: 11p15.5.
Variant type: single nucleotide variant.
Coding change: c.1371G>A on transcript NM_198075.4 (MANE Select); coding-DNA position 1371, G replaced by A.
Protein change: p.Arg457=; no amino-acid change (arginine 457 retained).
Molecular consequence: synonymous variant.
Genome position (GRCh38, 1-based): chr11:554,018, G>A. VCF-style: chr11-554018-G-A. GRCh37 (hg19) VCF-style: chr11-554018-G-A.
Identifiers: ClinVar variation 1181174 (VCV001181174.13), dbSNP rs112033363, ClinGen allele CA5780089.

ClinVar aggregate classification (germline): Benign. Review status: criteria provided, multiple submitters, no conflicts (2 of 4 stars). 4 submissions from 4 submitters: Benign (3). 1 of the submissions does not count toward it. Last evaluated 2026-02-03.

Conditions:
LRRC56-related disorder. Also called: LRRC56-related condition.

Allele frequency attached by ClinVar (database versions not stated): gnomAD exomes 0.05311 and 0.06026; ExAC 0.05441; gnomAD 0.05674 and 0.05680; TOPMed 0.05841; 1000 Genomes Project 0.05491; ESP Exome Variant Server 0.06183; 1000 Genomes Project 30x 0.05418.
gnomAD v4.1: 96,475 of 1,612,086 alleles (6%); highest among the groups gnomAD compares: Middle Eastern, 7%; 3,050 homozygotes.

Submissions (4):

Labcorp Genetics (formerly Invitae), Labcorp
Classification: Benign. Last evaluated: 2026-02-03. Review status: criteria provided, single submitter. Criteria: Invitae Variant Classification Sherloc (09022015). Collection method: clinical testing. Allele origin: germline.

GeneDx
Classification: Benign. Last evaluated: 2021-05-04. Review status: criteria provided, single submitter. Criteria: GeneDx Variant Classification Process June 2021. Collection method: clinical testing. Allele origin: germline. Affected: yes.

Breakthrough Genomics
Classification: Benign. Review status: criteria provided, single submitter. Criteria: ACMG Guidelines, 2015. Collection method: not provided. Allele origin: germline. Inheritance: Autosomal recessive inheritance. Affected: yes.

PreventionGenetics, part of Exact Sciences
Classification: Benign for LRRC56-related condition. Last evaluated: 2019-03-05. Review status: no assertion criteria provided. Collection method: clinical testing. Allele origin: germline. Not counted in ClinVar's aggregate classification.
Comment: This variant is classified as benign based on ACMG/AMP sequence variant interpretation guidelines (Richards et al. 2015 PMID: 25741868, with internal and published modifications).